The following is an entry in ClinVar:

ClinVar aggregate classification (germline): Uncertain significance (1 of 4 stars; one submission).

Conditions:
Neurofibromatosis, type 1 (NF1). Also called: VON RECKLINGHAUSEN DISEASE; Peripheral type neurofibromatosis; NEUROFIBROMATOSIS, TYPE I, SOMATIC; Neurofibromatosis, type I. Identifiers: Orphanet 636, MedGen C0027831, MONDO:0018975, OMIM 162200. Disease mechanism: loss of function.

Submission:

Labcorp Genetics (formerly Invitae), Labcorp
Classification: Uncertain significance for Neurofibromatosis, type 1. Last evaluated: 2024-03-13. Review status: criteria provided, single submitter. Criteria: Invitae Variant Classification Sherloc (09022015). Collection method: clinical testing. Allele origin: germline.
Comment: This sequence change replaces isoleucine, which is neutral and non-polar, with threonine, which is neutral and polar, at codon 2814 of the NF1 protein (p.Ile2814Thr). This variant is not present in population databases (gnomAD no frequency). This variant has not been reported in the literature in individuals affected with NF1-related conditions. Advanced modeling of protein sequence and biophysical properties (such as structural, functional, and spatial information, amino acid conservation, physicochemical variation, residue mobility, and thermodynamic stability) performed at Invitae indicates that this missense variant is not expected to disrupt NF1 protein function with a negative predictive value of 95%. In summary, the available evidence is currently insufficient to determine the role of this variant in disease. Therefore, it has been classified as a Variant of Uncertain Significance.

NM_001042492.3(NF1):c.8504T>C (p.Ile2835Thr)

Gene: NF1 (neurofibromin 1; plus strand). Cytogenetic location: 17q11.2.
Variant type: single nucleotide variant.
Coding change: c.8504T>C on transcript NM_001042492.3 (MANE Select); coding-DNA position 8504, T replaced by C.
Protein change: p.Ile2835Thr; replaces isoleucine 2835 with threonine.
Molecular consequence: missense variant.
Genome position (GRCh38, 1-based): chr17:31,374,139, T>C. VCF-style: chr17-31374139-T-C. GRCh37 (hg19) VCF-style: chr17-29701157-T-C.
Other names: c.8441T>C, p.Ile2814Thr (NM_000267.4); short protein forms I2814T, I2835T.
Identifiers: ClinVar variation 3634621 (VCV003634621.2).